The following is an entry in ClinVar:

ClinVar aggregate classification (germline): Pathogenic (1 of 4 stars; one submission).

Conditions:
KBG syndrome (KBGS). Also called: ANKRD11-Related KBG Syndrome. Identifiers: Orphanet 2332, MedGen C0220687, MONDO:0007846, OMIM 148050.

Submission:

Labcorp Genetics (formerly Invitae), Labcorp
Classification: Pathogenic for KBG syndrome. Last evaluated: 2024-10-17. Review status: criteria provided, single submitter. Criteria: Invitae Variant Classification Sherloc (09022015). Collection method: clinical testing. Allele origin: germline.
Comment: This sequence change creates a premature translational stop signal (p.Pro1447Alafs*5) in the ANKRD11 gene. It is expected to result in an absent or disrupted protein product. Loss-of-function variants in ANKRD11 are known to be pathogenic (PMID: 21782149, 25125236, 25413698, 25652421). This variant is not present in population databases (gnomAD no frequency). This premature translational stop signal has been observed in individual(s) with ANKRD11-related conditions (33057194. 35982159). ClinVar contains an entry for this variant (Variation ID: 2035562). For these reasons, this variant has been classified as Pathogenic.

Literature cited by the submitters: PubMed 21782149; PubMed 25125236; PubMed 25413698; PubMed 25652421.

NM_013275.6(ANKRD11):c.4334dup (p.Pro1447fs)

Gene: ANKRD11 (ankyrin repeat domain 11; minus strand). Cytogenetic location: 16q24.3.
Variant type: Duplication.
Coding change: c.4334dup on transcript NM_013275.6 (MANE Select); coding-DNA position 4334, one base duplicated (T; older notation c.4334dupT).
Protein change: p.Pro1447fs; shifts the reading frame from proline 1447.
Molecular consequence: frameshift variant.
Genome position (GRCh38, 1-based): chr16:89,282,208, A duplicated on the plus strand (T on the coding strand, the reverse complement: ANKRD11 is on the minus strand). VCF-style (leftmost placement, unchanged base first): chr16-89282207-T-TA. GRCh37 (hg19) VCF-style: chr16-89348615-T-TA.
Other names: c.4334dup, p.Pro1447fs (NM_001256182.2, NM_001256183.2); short protein forms P1447fs.
Identifiers: ClinVar variation 2035562 (VCV002035562.4), dbSNP rs2544233297, ClinGen allele CA2580092266.